The following is an entry in ClinVar:

NM_003660.4(PPFIA3):c.2877C>T (p.Asn959=)

Gene: PPFIA3 (PPFI scaffold protein A3; plus strand). Cytogenetic location: 19q13.33.
Variant type: single nucleotide variant.
Coding change: c.2877C>T on transcript NM_003660.4 (MANE Select); coding-DNA position 2877, C replaced by T.
Protein change: p.Asn959=; no amino-acid change (asparagine 959 retained).
Molecular consequence: synonymous variant. On other transcripts: non-coding transcript variant (1).
Genome position (GRCh38, 1-based): chr19:49,148,124, C>T. VCF-style: chr19-49148124-C-T. GRCh37 (hg19) VCF-style: chr19-49651381-C-T.
Identifiers: ClinVar variation 4821438 (VCV004821438.4).

ClinVar aggregate classification (germline): Likely benign (1 of 4 stars; one submission).

gnomAD v4.1: 87 of 1,613,812 alleles (0.0054%); highest among the groups gnomAD compares: Non-Finnish European, 0.0067%; no homozygotes.

Submission:

CeGaT Center for Human Genetics Tuebingen
Classification: Likely benign. Last evaluated: 2026-03-01. Review status: criteria provided, single submitter. Criteria: CeGaT Center For Human Genetics Tuebingen Variant Classification Criteria Version 2. Collection method: clinical testing. Allele origin: germline. Affected: yes. Observed: 1 variant allele.
Comment: PPFIA3: BP4, BP7